The following is an entry in ClinVar:

NM_004360.5(CDH1):c.2165-19G>T

Gene: CDH1 (cadherin 1; plus strand). Cytogenetic location: 16q22.1.
Variant type: single nucleotide variant.
Coding change: c.2165-19G>T on transcript NM_004360.5 (MANE Select); 19 bases into the intron before coding-DNA position 2165, G replaced by T.
Molecular consequence: intron variant.
Genome position (GRCh38, 1-based): chr16:68,828,155, G>T. VCF-style: chr16-68828155-G-T. GRCh37 (hg19) VCF-style: chr16-68862058-G-T.
Other names: c.2165-19G>T (LRG_301t1); c.617-19G>T (NM_001317185.2); c.200-19G>T (NM_001317186.2); c.1982-19G>T (NM_001317184.2).
Identifiers: ClinVar variation 491521 (VCV000491521.13), dbSNP rs1555517632, ClinGen allele CA658683965.

ClinVar aggregate classification (germline): Conflicting classifications of pathogenicity. Review status: criteria provided, conflicting classifications (1 of 4 stars). 5 submissions from 5 submitters: Uncertain significance (1); Likely benign (4). Last evaluated 2025-07-08.

Conditions:
Hereditary cancer-predisposing syndrome. Also called: Tumor predisposition; Neoplastic Syndromes, Hereditary; Hereditary Cancer Syndrome; Hereditary neoplastic syndrome. Identifiers: Orphanet 140162, MedGen C0027672, MeSH D009386, MONDO:0015356.
Hereditary breast ovarian cancer syndrome. Also called: Hereditary breast and ovarian cancer; Hereditary breast and ovarian cancer syndrome (HBOC); BRCA1- and BRCA2-Associated Hereditary Breast and Ovarian Cancer; Breast and ovarian cancer; Hereditary breast and ovarian cancer syndrome; Hereditary breast and/or ovarian cancer syndrome. Identifiers: Orphanet 145, MedGen C0677776, MeSH D061325, MONDO:0003582. Disease mechanism: loss of function.
Hereditary diffuse gastric adenocarcinoma (HDGC). Also called: DIFFUSE GASTRIC AND LOBULAR BREAST CANCER SYNDROME. Identifiers: Orphanet 26106, MedGen C1708349, MONDO:0007648, OMIM 137215.

Allele frequency attached by ClinVar (database versions not stated): gnomAD exomes below 0.00001.
gnomAD v4.1: 2 of 1,613,438 alleles (0.00012%); highest among the groups gnomAD compares: Non-Finnish European, 0.00017%; no homozygotes.

Submissions (5):

German Consortium for Hereditary Breast and Ovarian Cancer, University Hospital Cologne
Classification: Uncertain significance for Hereditary breast ovarian cancer syndrome. Last evaluated: 2025-07-08. Review status: criteria provided, single submitter. Criteria: ACMG Guidelines, 2015. Collection method: curation. Allele origin: germline.
Comment: This classification follows the ACMG SVI adaptation classification scheme; We chose these criteria: PM2 (supporting pathogenic): absent from gnomAD v2/3; gnomAD v4.1.0 Grpmax Filtering AF = 2.800e-7, BP4 (supporting benign): three in silico splicing predictors (SliceAI, SSF, MaxEntScan) in agreement: no observes splicing defect

Labcorp Genetics (formerly Invitae), Labcorp
Classification: Likely benign for Hereditary diffuse gastric adenocarcinoma. Last evaluated: 2025-01-19. Review status: criteria provided, single submitter. Criteria: Invitae Variant Classification Sherloc (09022015). Collection method: clinical testing. Allele origin: germline.

Myriad Genetics, Inc.
Classification: Likely benign for Hereditary diffuse gastric adenocarcinoma. Last evaluated: 2024-09-20. Review status: criteria provided, single submitter. Criteria: Myriad Autosomal Dominant, Autosomal Recessive and X-Linked Classification Criteria (2023). Collection method: clinical testing. Allele origin: unknown.
Comment: This variant is considered likely benign. This variant is intronic and is not expected to impact mRNA splicing.

GeneDx
Classification: Likely benign. Last evaluated: 2017-11-14. Review status: criteria provided, single submitter. Criteria: GeneDx Variant Classification (06012015). Collection method: clinical testing. Allele origin: germline. Affected: yes.
Comment: This variant is considered likely benign or benign based on one or more of the following criteria: it is a conservative change, it occurs at a poorly conserved position in the protein, it is predicted to be benign by multiple in silico algorithms, and/or has population frequency not consistent with disease.

Color Diagnostics, LLC DBA Color Health
Classification: Likely benign for Hereditary cancer-predisposing syndrome. Last evaluated: 2017-10-09. Review status: criteria provided, single submitter. Criteria: ACMG Guidelines, 2015. Collection method: clinical testing. Allele origin: germline.